The following is an entry in ClinVar:

NM_000214.3(JAG1):c.347A>T (p.Asp116Val)

Gene: JAG1 (jagged canonical Notch ligand 1; minus strand). Cytogenetic location: 20p12.2.
Variant type: single nucleotide variant.
Coding change: c.347A>T on transcript NM_000214.3 (MANE Select); coding-DNA position 347, A replaced by T.
Protein change: p.Asp116Val; replaces aspartic acid 116 with valine.
Molecular consequence: missense variant.
Genome position (GRCh38, 1-based): chr20:10,672,741, T>A on the plus strand (A>T on the coding strand, the complement: JAG1 is on the minus strand). VCF-style: chr20-10672741-T-A. GRCh37 (hg19) VCF-style: chr20-10653389-T-A.
Other names: short protein forms D116V.
Identifiers: ClinVar variation 955616 (VCV000955616.6), dbSNP rs2067505703, ClinGen allele CA408242505.

ClinVar aggregate classification (germline): Uncertain significance (1 of 4 stars; one submission).

Conditions:
Alagille syndrome due to a JAG1 point mutation. Also called: HEPATIC DUCTULAR HYPOPLASIA, SYNDROMATIC; Alagille Syndrome 1; JAG1-Related Alagille Syndrome. Identifiers: Orphanet 261619, Orphanet 52, MedGen C1956125, MONDO:0016862, OMIM 118450.

Submission:

Labcorp Genetics (formerly Invitae), Labcorp
Classification: Uncertain significance for Alagille syndrome due to a JAG1 point mutation. Last evaluated: 2023-05-05. Review status: criteria provided, single submitter. Criteria: Invitae Variant Classification Sherloc (09022015). Collection method: clinical testing. Allele origin: germline.
Comment: In summary, the available evidence is currently insufficient to determine the role of this variant in disease. Therefore, it has been classified as a Variant of Uncertain Significance. Advanced modeling of protein sequence and biophysical properties (such as structural, functional, and spatial information, amino acid conservation, physicochemical variation, residue mobility, and thermodynamic stability) performed at Invitae indicates that this missense variant is not expected to disrupt JAG1 protein function. ClinVar contains an entry for this variant (Variation ID: 955616). This variant has not been reported in the literature in individuals affected with JAG1-related conditions. This variant is not present in population databases (gnomAD no frequency). This sequence change replaces aspartic acid, which is acidic and polar, with valine, which is neutral and non-polar, at codon 116 of the JAG1 protein (p.Asp116Val).